The following is an entry in ClinVar:

NM_004448.4(ERBB2):c.1367G>A (p.Arg456His)

Gene: ERBB2 (erb-b2 receptor tyrosine kinase 2; plus strand). Cytogenetic location: 17q12.
Variant type: single nucleotide variant.
Coding change: c.1367G>A on transcript NM_004448.4 (MANE Select); coding-DNA position 1367, G replaced by A.
Protein change: p.Arg456His; replaces arginine 456 with histidine.
Molecular consequence: missense variant. On other transcripts: non-coding transcript variant (1), intron variant (1).
Genome position (GRCh38, 1-based): chr17:39,715,793, G>A. VCF-style: chr17-39715793-G-A. GRCh37 (hg19) VCF-style: chr17-37872046-G-A.
Other names: c.1277G>A, p.Arg426His (NM_001005862.3, NM_001289938.2, NM_001382782.1 and 1 more transcripts); c.1322G>A, p.Arg441His (NM_001289936.2); c.1367G>A, p.Arg456His (NM_001289937.2, NM_001382792.1, NM_001382793.1 and 12 more transcripts); c.1187G>A, p.Arg396His (NM_001382799.1); c.1484G>A, p.Arg495His (NM_001382784.1, NM_001382786.1); c.1442G>A, p.Arg481His (NM_001382787.1); c.1388G>A, p.Arg463His (NM_001382789.1); c.1358G>A, p.Arg453His (NM_001382791.1); and 3 more; short protein forms R180H, R370H, R426H, R463H, R495H, R396H, R481H, R441H.
Identifiers: ClinVar variation 3710536 (VCV003710536.2).

ClinVar aggregate classification (germline): Uncertain significance (1 of 4 stars; one submission).

gnomAD v4.1: 5 of 1,609,570 alleles (0.00031%); highest among the groups gnomAD compares: South Asian, 0.0011%; no homozygotes.

Submission:

Labcorp Genetics (formerly Invitae), Labcorp
Classification: Uncertain significance. Last evaluated: 2024-09-30. Review status: criteria provided, single submitter. Criteria: Invitae Variant Classification Sherloc (09022015). Collection method: clinical testing. Allele origin: germline.
Comment: This sequence change replaces arginine, which is basic and polar, with histidine, which is basic and polar, at codon 456 of the ERBB2 protein (p.Arg456His). This variant is not present in population databases (gnomAD no frequency). This variant has not been reported in the literature in individuals affected with ERBB2-related conditions. Invitae Evidence Modeling of protein sequence and biophysical properties (such as structural, functional, and spatial information, amino acid conservation, physicochemical variation, residue mobility, and thermodynamic stability) indicates that this missense variant is not expected to disrupt ERBB2 protein function with a negative predictive value of 80%. In summary, the available evidence is currently insufficient to determine the role of this variant in disease. Therefore, it has been classified as a Variant of Uncertain Significance.